The following is an entry in ClinVar:

NM_017763.6(RNF43):c.2344G>C (p.Ala782Pro)

Gene: RNF43 (ring finger protein 43; minus strand). Cytogenetic location: 17q22.
Variant type: single nucleotide variant.
Coding change: c.2344G>C on transcript NM_017763.6 (MANE Select); coding-DNA position 2344, G replaced by C.
Protein change: p.Ala782Pro; replaces alanine 782 with proline.
Molecular consequence: missense variant.
Genome position (GRCh38, 1-based): chr17:58,354,951, C>G on the plus strand (G>C on the coding strand, the complement: RNF43 is on the minus strand). VCF-style: chr17-58354951-C-G. GRCh37 (hg19) VCF-style: chr17-56432312-C-G.
Other names: c.2344G>C, p.Ala782Pro (NM_001305544.3); c.1963G>C, p.Ala655Pro (NM_001305545.2); short protein forms A655P, A782P.
Identifiers: ClinVar variation 3434520 (VCV003434520.1).

ClinVar aggregate classification (germline): Uncertain significance (1 of 4 stars; one submission).

Submission:

Ambry Genetics
Classification: Uncertain significance. Last evaluated: 2024-11-26. Review status: criteria provided, single submitter. Criteria: Ambry Variant Classification Scheme 2023. Collection method: clinical testing. Allele origin: germline.
Comment: The p.A782P variant (also known as c.2344G>C), located in coding exon 9 of the RNF43 gene, results from a G to C substitution at nucleotide position 2344. The alanine at codon 782 is replaced by proline, an amino acid with highly similar properties. This amino acid position is conserved. In addition, this alteration is predicted to be tolerated by in silico analysis. Based on the available evidence, the clinical significance of this variant remains unclear.